The following is an entry in ClinVar:

ClinVar aggregate classification (germline): Uncertain significance. Review status: criteria provided, multiple submitters, no conflicts (2 of 4 stars). 2 submissions from 2 submitters: Uncertain significance (2). Last evaluated 2025-06-29.

Conditions:
Inborn genetic diseases. Identifiers: MedGen C0950123, MeSH D030342.

Allele frequency attached by ClinVar (database versions not stated): ExAC 0.00001; gnomAD 0.00001; gnomAD exomes 0.00004.
gnomAD v4.1: 58 of 1,613,952 alleles (0.0036%); highest among the groups gnomAD compares: Non-Finnish European, 0.0047%; no homozygotes.

Submissions (2):

Ambry Genetics
Classification: Uncertain significance for Inborn genetic diseases. Last evaluated: 2025-06-29. Review status: criteria provided, single submitter. Criteria: Ambry Variant Classification Scheme 2023. Collection method: clinical testing. Allele origin: germline.

Labcorp Genetics (formerly Invitae), Labcorp
Classification: Uncertain significance. Last evaluated: 2023-07-03. Review status: criteria provided, single submitter. Criteria: Invitae Variant Classification Sherloc (09022015). Collection method: clinical testing. Allele origin: germline.
Comment: This variant has not been reported in the literature in individuals affected with SRCAP-related conditions. Advanced modeling of protein sequence and biophysical properties (such as structural, functional, and spatial information, amino acid conservation, physicochemical variation, residue mobility, and thermodynamic stability) performed at Invitae indicates that this missense variant is not expected to disrupt SRCAP protein function. In summary, the available evidence is currently insufficient to determine the role of this variant in disease. Therefore, it has been classified as a Variant of Uncertain Significance. This variant is present in population databases (rs758831693, gnomAD 0.004%). This sequence change replaces arginine, which is basic and polar, with glutamine, which is neutral and polar, at codon 1332 of the SRCAP protein (p.Arg1332Gln).

NM_006662.3(SRCAP):c.3995G>A (p.Arg1332Gln)

Gene: SRCAP (Snf2 related CREBBP activator protein; plus strand). Cytogenetic location: 16p11.2.
Variant type: single nucleotide variant.
Coding change: c.3995G>A on transcript NM_006662.3 (MANE Select); coding-DNA position 3995, G replaced by A.
Protein change: p.Arg1332Gln; replaces arginine 1332 with glutamine.
Molecular consequence: missense variant.
Genome position (GRCh38, 1-based): chr16:30,723,065, G>A. VCF-style: chr16-30723065-G-A. GRCh37 (hg19) VCF-style: chr16-30734386-G-A.
Other names: c.3995G>A (NM_006662.2); short protein forms R1332Q.
Identifiers: ClinVar variation 2991428 (VCV002991428.4), dbSNP rs758831693, ClinGen allele CA8011640.